The following is an entry in ClinVar:

ClinVar aggregate classification (germline): Benign (1 of 4 stars; one submission).

Allele frequency attached by ClinVar (database versions not stated): gnomAD 0.52999 and 0.53195; TOPMed 0.54014; 1000 Genomes Project 0.56530; 1000 Genomes Project 30x 0.56574.
gnomAD v4.1: 80,397 of 151,880 alleles (53%); highest among the groups gnomAD compares: African/African-American, 71%; 22,346 homozygotes.

Submission:

GeneDx
Classification: Benign. Last evaluated: 2018-06-18. Review status: criteria provided, single submitter. Criteria: GeneDx Variant Classification (06012015). Collection method: clinical testing. Allele origin: germline. Affected: yes.
Comment: This variant is considered likely benign or benign based on one or more of the following criteria: it is a conservative change, it occurs at a poorly conserved position in the protein, it is predicted to be benign by multiple in silico algorithms, and/or has population frequency not consistent with disease.

NM_000426.4(LAMA2):c.5865+211C>G

Gene: LAMA2 (laminin subunit alpha 2; plus strand). Cytogenetic location: 6q22.33.
Variant type: single nucleotide variant.
Coding change: c.5865+211C>G on transcript NM_000426.4 (MANE Select); 211 bases into the intron after coding-DNA position 5865, C replaced by G.
Molecular consequence: intron variant.
Genome position (GRCh38, 1-based): chr6:129,404,170, C>G. VCF-style: chr6-129404170-C-G. GRCh37 (hg19) VCF-style: chr6-129725315-C-G.
Other names: c.5865+211C>G (NM_001079823.2).
Identifiers: ClinVar variation 682934 (VCV000682934.1), dbSNP rs3828737, ClinGen allele CA15441137.